The following is an entry in ClinVar:

ClinVar aggregate classification (germline): Uncertain significance (1 of 4 stars; one submission).

Conditions:
Hereditary sensory neuropathy-deafness-dementia syndrome. Also called: Hereditary sensory neuropathy type IE; NEUROPATHY, HEREDITARY SENSORY, WITH HEARING LOSS AND DEMENTIA; HSN IE; Hereditary Sensory and Autonomic Neuropathy Type 1E (HSAN1E). Identifiers: Orphanet 456318, MedGen C3279885, MONDO:0013584, OMIM 614116.

Allele frequency attached by ClinVar (database versions not stated): TOPMed below 0.00001.
gnomAD v4.1: 1 of 1,613,252 alleles (0.000062%); highest among the groups gnomAD compares: Non-Finnish European, 0.000085%; no homozygotes.

Submission:

Labcorp Genetics (formerly Invitae), Labcorp
Classification: Uncertain significance for Hereditary sensory neuropathy-deafness-dementia syndrome. Last evaluated: 2020-10-18. Review status: criteria provided, single submitter. Criteria: Invitae Variant Classification Sherloc (09022015). Collection method: clinical testing. Allele origin: germline.
Comment: This sequence change replaces glycine with arginine at codon 1406 of the DNMT1 protein (p.Gly1406Arg). The glycine residue is highly conserved and there is a moderate physicochemical difference between glycine and arginine. This variant is not present in population databases (ExAC no frequency). This variant has not been reported in the literature in individuals with DNMT1-related disease. Algorithms developed to predict the effect of missense changes on protein structure and function do not agree on the potential impact of this missense change (SIFT: "Deleterious"; PolyPhen-2: "Benign"; Align-GVGD: "Class C0"). Algorithms developed to predict the effect of sequence changes on RNA splicing suggest that this variant may create or strengthen a splice site, but this prediction has not been confirmed by published transcriptional studies. In summary, the available evidence is currently insufficient to determine the role of this variant in disease. Therefore, it has been classified as a Variant of Uncertain Significance.

NM_001130823.3(DNMT1):c.4216G>A (p.Gly1406Arg)

Gene: DNMT1 (DNA methyltransferase 1; minus strand). Cytogenetic location: 19p13.2.
Variant type: single nucleotide variant.
Coding change: c.4216G>A on transcript NM_001130823.3 (MANE Select); coding-DNA position 4216, G replaced by A.
Protein change: p.Gly1406Arg; replaces glycine 1406 with arginine.
Molecular consequence: missense variant.
Genome position (GRCh38, 1-based): chr19:10,137,909, C>T on the plus strand (G>A on the coding strand, the complement: DNMT1 is on the minus strand). VCF-style: chr19-10137909-C-T. GRCh37 (hg19) VCF-style: chr19-10248585-C-T.
Other names: c.4216G>A (LRG_362t1); c.4168G>A, p.Gly1390Arg (NM_001318730.2, NM_001379.4); c.3853G>A, p.Gly1285Arg (NM_001318731.2); short protein forms G1406R, G1285R, G1390R.
Identifiers: ClinVar variation 577003 (VCV000577003.8), dbSNP rs1568220739, ClinGen allele CA403970303.